The following is an entry in ClinVar:

NM_020975.6(RET):c.1043G>A (p.Arg348Gln)

Gene: RET (ret proto-oncogene; plus strand). Cytogenetic location: 10q11.21.
Variant type: single nucleotide variant.
Coding change: c.1043G>A on transcript NM_020975.6 (MANE Select); coding-DNA position 1043, G replaced by A.
Protein change: p.Arg348Gln; replaces arginine 348 with glutamine.
Molecular consequence: missense variant.
Genome position (GRCh38, 1-based): chr10:43,106,551, G>A. VCF-style: chr10-43106551-G-A. GRCh37 (hg19) VCF-style: chr10-43601999-G-A.
Other names: c.1043G>A, p.Arg348Gln (NM_000323.2, NM_001406743.1, NM_001406744.1 and 6 more transcripts); c.281G>A, p.Arg94Gln (NM_001355216.2); c.914G>A, p.Arg305Gln (NM_001406761.1, NM_001406762.1, NM_001406764.1 and 1 more transcripts); c.755G>A, p.Arg252Gln (NM_001406766.1, NM_001406767.1, NM_001406770.1); short protein forms R94Q, R348Q, R305Q, R252Q.
Identifiers: ClinVar variation 864362 (VCV000864362.14), dbSNP rs751518221, ClinGen allele CA030832.
Genomic context (GRCh38, chr10:43,106,551, plus strand): 5'-CCTTCCGGGTGGAACACTGGCCCAACGAGACCTCGGTCCAGGCCAACGGCAGCTTCGTGC[G>A]GGCGACCGTACATGACTATAGTAAGAGGGGCTGGTGGCACGGCCTGGCTAGGCCCCCAGG-3'
Protein context (NP_066124.1, residues 338-358): TSVQANGSFV[Arg348Gln]ATVHDYRLVL

ClinVar aggregate classification (germline): Uncertain significance. Review status: criteria provided, multiple submitters, no conflicts (2 of 4 stars). 4 submissions from 4 submitters: Uncertain significance (4). Last evaluated 2025-11-24.

Conditions:
Hereditary cancer-predisposing syndrome. Also called: Hereditary Cancer Syndrome; Tumor predisposition; Neoplastic Syndromes, Hereditary; Hereditary neoplastic syndrome. Identifiers: Orphanet 140162, MedGen C0027672, MeSH D009386, MONDO:0015356.
Multiple endocrine neoplasia, type 2 (MEN2). Identifiers: Orphanet 653, MedGen C4048306, MONDO:0019003. Disease mechanism: gain of function.

Allele frequency attached by ClinVar (database versions not stated): TOPMed below 0.00001; gnomAD exomes 0.00001 and 0.00002; ExAC 0.00003.
gnomAD v4.1: 14 of 1,613,600 alleles (0.00087%); highest among the groups gnomAD compares: Non-Finnish European, 0.001%; no homozygotes.

Submissions (4):

Labcorp Genetics (formerly Invitae), Labcorp
Classification: Uncertain significance for Multiple endocrine neoplasia, type 2. Last evaluated: 2025-11-24. Review status: criteria provided, single submitter. Criteria: Invitae Variant Classification Sherloc (09022015). Collection method: clinical testing. Allele origin: germline.
Comment: This sequence change replaces arginine, which is basic and polar, with glutamine, which is neutral and polar, at codon 348 of the RET protein (p.Arg348Gln). This variant is present in population databases (rs751518221, gnomAD 0.002%). This variant has not been reported in the literature in individuals affected with RET-related conditions. ClinVar contains an entry for this variant (Variation ID: 864362). An algorithm developed to predict the effect of missense changes on protein structure and function (PolyPhen-2) suggests that this variant is likely to be tolerated. In summary, the available evidence is currently insufficient to determine the role of this variant in disease. Therefore, it has been classified as a Variant of Uncertain Significance.

Ambry Genetics
Classification: Uncertain significance for Hereditary cancer-predisposing syndrome. Last evaluated: 2025-08-25. Review status: criteria provided, single submitter. Criteria: Ambry Variant Classification Scheme 2023. Collection method: clinical testing. Allele origin: germline.
Comment: The p.R348Q variant (also known as c.1043G>A), located in coding exon 5 of the RET gene, results from a G to A substitution at nucleotide position 1043. The arginine at codon 348 is replaced by glutamine, an amino acid with highly similar properties. This amino acid position is well conserved in available vertebrate species. In addition, the in silico prediction for this alteration is inconclusive. Based on data from gnomAD, the frequency for this variant is above the maximum credible frequency for an MEN2-causing variant in this gene based on internally established thresholds (Karczewski et al. Nature. 2020 May;581(7809):434-443; Whiffin et al. Genet Med. 2017 10;19:1151-1158). Based on the supporting evidence, the association of this alteration with Hirschsprung disease is unknown; however, the association of this alteration with MEN2 is unlikely.

Quest Diagnostics Nichols Institute San Juan Capistrano
Classification: Uncertain significance. Last evaluated: 2025-02-08. Review status: criteria provided, single submitter. Criteria: Quest Diagnostics criteria. Collection method: clinical testing. Allele origin: unknown.

Color Diagnostics, LLC DBA Color Health
Classification: Uncertain significance for Multiple endocrine neoplasia, type 2. Last evaluated: 2023-09-04. Review status: criteria provided, single submitter. Criteria: ACMG Guidelines, 2015. Collection method: clinical testing. Allele origin: germline.
Comment: This missense variant replaces arginine with glutamine at codon 348 of the RET protein. Computational prediction is inconclusive regarding the impact of this variant on protein structure and function. To our knowledge, functional studies have not been reported for this variant. This variant has not been reported in individuals affected with RET-related disorders in the literature. This variant has been identified in 4/248190 chromosomes in the general population by the Genome Aggregation Database (gnomAD). The available evidence is insufficient to determine the role of this variant in disease conclusively. Therefore, this variant is classified as a Variant of Uncertain Significance.